The following is an entry in ClinVar:

ClinVar aggregate classification (germline): Uncertain significance. Review status: criteria provided, multiple submitters, no conflicts (2 of 4 stars). 4 submissions from 4 submitters: Uncertain significance (4). Last evaluated 2024-12-13.

Conditions:
MYLK2-related disorder. Also called: MYLK2-related condition.
Hypertrophic cardiomyopathy. Also called: HYPERTROPHIC MYOCARDIOPATHY. Identifiers: Orphanet 217569, MedGen C0007194, MeSH D002312, MONDO:0005045, HP:0001639.

Allele frequency attached by ClinVar (database versions not stated): gnomAD below 0.00001 and 0.00002; gnomAD exomes 0.00001 and 0.00002; TOPMed 0.00001; ExAC 0.00002.
gnomAD v4.1: 25 of 1,613,830 alleles (0.0015%); highest among the groups gnomAD compares: South Asian, 0.02%; no homozygotes.

Submissions (4):

PreventionGenetics, part of Exact Sciences
Classification: Uncertain significance for MYLK2-related condition. Last evaluated: 2024-12-13. Review status: criteria provided, single submitter. Criteria: ACMG Guidelines, 2015. Collection method: clinical testing. Allele origin: germline.
Comment: The MYLK2 c.1741C>T variant is predicted to result in the amino acid substitution p.Arg581Cys. This variant has been reported as a variant of uncertain significance in an individual with hypertrophic cardiomyopathy (Table S2, Robyns et al. 2020. PubMed ID: 31513939). This variant is reported in 0.013% of alleles in individuals of South Asian descent in gnomAD. At this time, the clinical significance of this variant is uncertain due to the absence of conclusive functional and genetic evidence.

Women's Health and Genetics/Laboratory Corporation of America, LabCorp
Classification: Uncertain significance. Last evaluated: 2024-02-27. Review status: criteria provided, single submitter. Criteria: LabCorp Variant Classification Summary - May 2015. Collection method: clinical testing. Allele origin: germline.
Comment: Variant summary: MYLK2 c.1741C>T (p.Arg581Cys) results in a non-conservative amino acid change in the encoded protein sequence. Four of five in-silico tools predict a damaging effect of the variant on protein function. The variant allele was found at a frequency of 2e-05 in 250450 control chromosomes, predominantly at a frequency of 0.00013 within the South Asian subpopulation in the gnomAD database. The available data on variant occurrences in the general population are insufficient to allow any conclusion about variant significance. c.1741C>T has been reported in the literature in an individual affected with Hypertrophic Cardiomyopathy without strong evidence for causality (example: Robyns_2020). These report(s) do not provide unequivocal conclusions about association of the variant with Hypertrophic Cardiomyopathy. To our knowledge, no experimental evidence demonstrating an impact on protein function has been reported. The following publication have been ascertained in the context of this evaluation (PMID: 31513939). ClinVar contains an entry for this variant (Variation ID: 228940). Based on the evidence outlined above, the variant was classified as uncertain significance.

Center for Human Genetics, University of Leuven
Classification: Uncertain significance for Hypertrophic cardiomyopathy. Last evaluated: 2018-10-31. Review status: criteria provided, single submitter. Criteria: ACMG Guidelines, 2015. Collection method: clinical testing. Allele origin: germline. Affected: yes.

Laboratory for Molecular Medicine, Mass General Brigham Personalized Medicine
Classification: Uncertain significance. Last evaluated: 2015-04-03. Review status: criteria provided, single submitter. Criteria: LMM Criteria. Collection method: clinical testing. Allele origin: germline. Observed: 1 variant allele.
Comment: The p.Arg581Cys variant in MYLK2 has not been previously reported in individuals with cardiomyopathy, but has been identified in 1/66596 European chromosomes an d 2/16512 South Asian chromosomes by the Exome Aggregation Consortium (ExAC). Computational prediction tools and conservation an alysis suggest that this variant may impact the protein, though this information is not predictive enough to determine pathogenicity. In summary, the clinical s ignificance of the p.Arg581Cys variant is uncertain.

Literature cited by the submitters: PubMed 31513939 (cited by Women's Health and Genetics/Laboratory Corporation of America, LabCorp).

NM_033118.4(MYLK2):c.1741C>T (p.Arg581Cys)

Gene: MYLK2 (myosin light chain kinase 2; plus strand). Cytogenetic location: 20q11.21.
Variant type: single nucleotide variant.
Coding change: c.1741C>T on transcript NM_033118.4 (MANE Select); coding-DNA position 1741, C replaced by T.
Protein change: p.Arg581Cys; replaces arginine 581 with cysteine.
Molecular consequence: missense variant.
Genome position (GRCh38, 1-based): chr20:31,833,747, C>T. VCF-style: chr20-31833747-C-T. GRCh37 (hg19) VCF-style: chr20-30421550-C-T.
Other names: short protein forms R581C.
Identifiers: ClinVar variation 228940 (VCV000228940.10), dbSNP rs766199082, ClinGen allele CA9803327.